The following is an entry in ClinVar:

ClinVar aggregate classification (germline): Uncertain significance (1 of 4 stars; one submission).

Conditions:
Primary dilated cardiomyopathy (DCM). Also called: Dilated Cardiomyopathy. Identifiers: Orphanet 217604, MedGen C0007193, MeSH D002311, MONDO:0005021, HP:0001644. Inheritance: Various modes of inheritance.

Allele frequency attached by ClinVar (database versions not stated): TOPMed below 0.00001; gnomAD 0.00001; ExAC 0.00002.
gnomAD v4.1: 33 of 1,613,906 alleles (0.002%); highest among the groups gnomAD compares: South Asian, 0.014%; no homozygotes.

Submission:

Labcorp Genetics (formerly Invitae), Labcorp
Classification: Uncertain significance for Primary dilated cardiomyopathy. Last evaluated: 2021-12-18. Review status: criteria provided, single submitter. Criteria: Invitae Variant Classification Sherloc (09022015). Collection method: clinical testing. Allele origin: germline.
Comment: This sequence change replaces arginine, which is basic and polar, with glutamine, which is neutral and polar, at codon 283 of the TXNRD2 protein (p.Arg283Gln). This variant is present in population databases (rs531699366, gnomAD 0.02%). This variant has not been reported in the literature in individuals affected with TXNRD2-related conditions. Algorithms developed to predict the effect of missense changes on protein structure and function (SIFT, PolyPhen-2, Align-GVGD) all suggest that this variant is likely to be tolerated. Algorithms developed to predict the effect of sequence changes on RNA splicing suggest that this variant may create or strengthen a splice site. In summary, the available evidence is currently insufficient to determine the role of this variant in disease. Therefore, it has been classified as a Variant of Uncertain Significance.

NM_006440.5(TXNRD2):c.848G>A (p.Arg283Gln)

Gene: TXNRD2 (thioredoxin reductase 2; minus strand). Cytogenetic location: 22q11.21.
Variant type: single nucleotide variant.
Coding change: c.848G>A on transcript NM_006440.5 (MANE Select); coding-DNA position 848, G replaced by A.
Protein change: p.Arg283Gln; replaces arginine 283 with glutamine.
Molecular consequence: missense variant. On other transcripts: non-coding transcript variant (1).
Genome position (GRCh38, 1-based): chr22:19,895,508, C>T on the plus strand (G>A on the coding strand, the complement: TXNRD2 is on the minus strand). VCF-style: chr22-19895508-C-T. GRCh37 (hg19) VCF-style: chr22-19883031-C-T.
Other names: c.848G>A, p.Arg283Gln (NM_001282512.3); c.845G>A, p.Arg282Gln (NM_001352300.2); c.758G>A, p.Arg253Gln (NM_001352301.2); c.560G>A, p.Arg187Gln (NM_001352302.2); c.752G>A, p.Arg251Gln (NM_001352303.2); short protein forms R282Q, R283Q, R251Q, R187Q, R253Q.
Identifiers: ClinVar variation 2175544 (VCV002175544.4), dbSNP rs531699366, ClinGen allele CA10103961.
Genomic context (GRCh38, chr22:19,895,508, plus strand): 5'-TTGCCGGTGGTGCTGTCCTCCCAGGTGACCTGCAGCTGGCCATCAGGGAGCCTCCTGACC[C>T]GCGAGGGGGCACAGCCCCTCAGGAACCGGGTGCCATGAGATGCCATGTGCTCTATGACCA-3'
Protein context (NP_006431.2, residues 273-293): TRFLRGCAPS[Arg283Gln]VRRLPDGQLQ